The following is an entry in ClinVar:

ClinVar aggregate classification (germline): Uncertain significance (1 of 4 stars; one submission).

Conditions:
EFTUD2-related disorder. Also called: EFTUD2-related condition.

Submission:

PreventionGenetics, part of Exact Sciences
Classification: Uncertain significance for EFTUD2-related condition. Last evaluated: 2023-03-13. Review status: criteria provided, single submitter. Criteria: ACMG Guidelines, 2015. Collection method: clinical testing. Allele origin: germline.
Comment: The EFTUD2 c.537A>G variant is not predicted to result in an amino acid change (p.=). This variant is predicted to alter splicing based on available splicing prediction programs (Alamut Visual Plus v1.6.1). However, the use of computer prediction programs is not equivalent to functional evidence. To our knowledge, this variant has not been reported in the literature or in a large population database, indicating this variant is rare. At this time, the clinical significance of this variant is uncertain due to the absence of conclusive functional and genetic evidence.

NM_004247.4(EFTUD2):c.537A>G (p.Val179=)

Gene: EFTUD2 (elongation factor Tu GTP binding domain containing 2; minus strand). Cytogenetic location: 17q21.31.
Variant type: single nucleotide variant.
Coding change: c.537A>G on transcript NM_004247.4 (MANE Select); coding-DNA position 537, A replaced by G.
Protein change: p.Val179=; no amino-acid change (valine 179 retained).
Molecular consequence: synonymous variant.
Genome position (GRCh38, 1-based): chr17:44,880,636, T>C on the plus strand (A>G on the coding strand, the complement: EFTUD2 is on the minus strand). VCF-style: chr17-44880636-T-C. GRCh37 (hg19) VCF-style: chr17-42958004-T-C.
Other names: c.432A>G, p.Val144= (NM_001142605.2); c.537A>G, p.Val179= (NM_001258353.2); c.507A>G, p.Val169= (NM_001258354.2).
Identifiers: ClinVar variation 2629173 (VCV002629173.1), dbSNP rs2508823499, ClinGen allele CA500314731.
Genomic context (GRCh38, chr17:44,880,636, plus strand): 5'-GAGATAAGATTTTCCTTTGGTGTCTGGCAAGACCACTGTCACAGGAGTGCTTTTGATGCC[T>C]ACACCTCTCTGAAAGGAACAAAGAGTGGTCAAGACCTCTTCCTATGCAAGAGGGGTTCAT-3'
Protein context (NP_004238.3, residues 169-189): DILFTEQERG[Val179=]GIKSTPVTVV